The following is an entry in ClinVar:

ClinVar aggregate classification (germline): Uncertain significance (1 of 4 stars; one submission).

Allele frequency attached by ClinVar (database versions not stated): TOPMed 0.00003; gnomAD 0.00006; gnomAD exomes 0.00006 and 0.00009; ExAC 0.00014; ESP Exome Variant Server 0.00015; 1000 Genomes Project 30x 0.00016; 1000 Genomes Project 0.00020.
gnomAD v4.1: 89 of 1,612,958 alleles (0.0055%); highest among the groups gnomAD compares: Non-Finnish European, 0.0062%; 1 homozygote.

Submission:

Labcorp Genetics (formerly Invitae), Labcorp
Classification: Uncertain significance. Last evaluated: 2026-01-21. Review status: criteria provided, single submitter. Criteria: Invitae Variant Classification Sherloc (09022015). Collection method: clinical testing. Allele origin: germline.
Comment: This sequence change replaces alanine, which is neutral and non-polar, with serine, which is neutral and polar, at codon 150 of the TNNI3K protein (p.Ala150Ser). This variant is present in population databases (rs200683517, gnomAD 0.04%), and has an allele count higher than expected for a pathogenic variant. This variant has not been reported in the literature in individuals affected with TNNI3K-related conditions. ClinVar contains an entry for this variant (Variation ID: 1512200). Invitae Evidence Modeling of protein sequence and biophysical properties (such as structural, functional, and spatial information, amino acid conservation, physicochemical variation, residue mobility, and thermodynamic stability) indicates that this missense variant is not expected to disrupt TNNI3K protein function with a negative predictive value of 80%. In summary, the available evidence is currently insufficient to determine the role of this variant in disease. Therefore, it has been classified as a Variant of Uncertain Significance.

NM_015978.3(TNNI3K):c.448G>T (p.Ala150Ser)

Genes: FPGT-TNNI3K (FPGT-TNNI3K readthrough; plus strand), TNNI3K (TNNI3 interacting kinase; plus strand). Cytogenetic location: 1p31.1.
Variant type: single nucleotide variant.
Coding change: c.448G>T on transcript NM_015978.3 (MANE Select); coding-DNA position 448, G replaced by T.
Protein change: p.Ala150Ser; replaces alanine 150 with serine.
Molecular consequence: missense variant.
Genome position (GRCh38, 1-based): chr1:74,331,453, G>T. VCF-style: chr1-74331453-G-T. GRCh37 (hg19) VCF-style: chr1-74797137-G-T.
Other names: c.751G>T, p.Ala251Ser (NM_001112808.3, NM_001199327.2); short protein forms A150S, A251S.
Identifiers: ClinVar variation 1512200 (VCV001512200.6), dbSNP rs200683517, ClinGen allele CA908910.
Genomic context (GRCh38, chr1:74,331,453, plus strand): 5'-TCTTAATAGGCAGATAACTCAACTGAAGTTCTTAACCATAATCATTTTCTTGTCCAGGCT[G>T]CTGATGTGCTGTTGCAACATGGAGCTAATGTCAATATTCAAGATGCAGTTTTTTTCACTC-3'
Protein context (NP_057062.1, residues 140-160): IATIAGHLEA[Ala150Ser]DVLLQHGANV